The following is an entry in ClinVar:

NM_006031.6(PCNT):c.202G>C (p.Asp68His)

Gene: PCNT (pericentrin; plus strand). Cytogenetic location: 21q22.3.
Variant type: single nucleotide variant.
Coding change: c.202G>C on transcript NM_006031.6 (MANE Select); coding-DNA position 202, G replaced by C.
Protein change: p.Asp68His; replaces aspartic acid 68 with histidine.
Molecular consequence: missense variant. On other transcripts: 5 prime UTR variant (1).
Genome position (GRCh38, 1-based): chr21:46,326,524, G>C. VCF-style: chr21-46326524-G-C. GRCh37 (hg19) VCF-style: chr21-47746438-G-C.
Other names: c.-153G>C (NM_001315529.2); short protein forms D68H.
Identifiers: ClinVar variation 517802 (VCV000517802.1), dbSNP rs1216804302, ClinGen allele CA410556648.

ClinVar aggregate classification (germline): Likely benign (1 of 4 stars; one submission).

gnomAD v4.1: 1 of 1,614,184 alleles (0.000062%); highest among the groups gnomAD compares: Non-Finnish European, 0.000085%; no homozygotes.

Submission:

GeneDx
Classification: Likely benign. Last evaluated: 2017-03-14. Review status: criteria provided, single submitter. Criteria: GeneDx Variant Classification (06012015). Collection method: clinical testing. Allele origin: germline. Affected: yes.
Comment: This variant is considered likely benign or benign based on one or more of the following criteria: it is a conservative change, it occurs at a poorly conserved position in the protein, it is predicted to be benign by multiple in silico algorithms, and/or has population frequency not consistent with disease.